The following is an entry in ClinVar:

NM_001378454.1(ALMS1):c.9631A>G (p.Lys3211Glu)

Gene: ALMS1 (ALMS1 centrosome and basal body associated protein; plus strand). Cytogenetic location: 2p13.1.
Variant type: single nucleotide variant.
Coding change: c.9631A>G on transcript NM_001378454.1 (MANE Select); coding-DNA position 9631, A replaced by G.
Protein change: p.Lys3211Glu; replaces lysine 3211 with glutamic acid.
Molecular consequence: missense variant.
Genome position (GRCh38, 1-based): chr2:73,519,866, A>G. VCF-style: chr2-73519866-A-G. GRCh37 (hg19) VCF-style: chr2-73746993-A-G.
Other names: c.9634A>G, p.Lys3212Glu (NM_015120.4); short protein forms K3211E, K3212E.
Identifiers: ClinVar variation 1018786 (VCV001018786.7), dbSNP rs770987613, ClinGen allele CA1714721.

ClinVar aggregate classification (germline): Uncertain significance. Review status: criteria provided, multiple submitters, no conflicts (2 of 4 stars). 3 submissions from 3 submitters: Uncertain significance (2). 1 of the submissions does not count toward it. Last evaluated 2022-04-14.

Conditions:
Alstrom syndrome (ALMS). Identifiers: Orphanet 64, MedGen C0268425, MONDO:0008763, OMIM 203800.

Allele frequency attached by ClinVar (database versions not stated): gnomAD exomes below 0.00001 and 0.00001; ExAC 0.00001; TOPMed 0.00003.
gnomAD v4.1: 6 of 1,614,124 alleles (0.00037%); highest among the groups gnomAD compares: Middle Eastern, 0.016%; no homozygotes.

Submissions (3):

Fulgent Genetics
Classification: Uncertain significance for Alstrom syndrome. Last evaluated: 2022-04-14. Review status: criteria provided, single submitter. Criteria: ACMG Guidelines, 2015. Collection method: clinical testing. Allele origin: unknown.

Labcorp Genetics (formerly Invitae), Labcorp
Classification: Uncertain significance for Alstrom syndrome. Last evaluated: 2022-02-11. Review status: criteria provided, single submitter. Criteria: Invitae Variant Classification Sherloc (09022015). Collection method: clinical testing. Allele origin: germline.
Comment: This sequence change replaces lysine, which is basic and polar, with glutamic acid, which is acidic and polar, at codon 3212 of the ALMS1 protein (p.Lys3212Glu). This variant is present in population databases (rs770987613, gnomAD 0.01%). This variant has not been reported in the literature in individuals affected with ALMS1-related conditions. ClinVar contains an entry for this variant (Variation ID: 1018786). Experimental studies and prediction algorithms are not available or were not evaluated, and the functional significance of this variant is currently unknown. In summary, the available evidence is currently insufficient to determine the role of this variant in disease. Therefore, it has been classified as a Variant of Uncertain Significance.

Natera, Inc.
Classification: Uncertain significance for Alstrom syndrome. Last evaluated: 2021-09-22. Review status: no assertion criteria provided. Collection method: clinical testing. Allele origin: germline. Not counted in ClinVar's aggregate classification.